The following is an entry in ClinVar:

ClinVar aggregate classification (germline): Uncertain significance (1 of 4 stars; one submission).

Conditions:
RASopathy. Also called: rasopathies; Noonan spectrum disorder. Identifiers: Orphanet 536391, MedGen C5555857, MONDO:0021060.

gnomAD v4.1: 1 of 1,612,986 alleles (0.000062%); highest among the groups gnomAD compares: Non-Finnish European, 0.000085%; no homozygotes.

Submission:

Labcorp Genetics (formerly Invitae), Labcorp
Classification: Uncertain significance for RASopathy. Last evaluated: 2024-02-14. Review status: criteria provided, single submitter. Criteria: Invitae Variant Classification Sherloc (09022015). Collection method: clinical testing. Allele origin: germline.
Comment: This sequence change replaces tyrosine, which is neutral and polar, with cysteine, which is neutral and slightly polar, at codon 615 of the SOS1 protein (p.Tyr615Cys). This variant is not present in population databases (gnomAD no frequency). This variant has not been reported in the literature in individuals affected with SOS1-related conditions. Advanced modeling of protein sequence and biophysical properties (such as structural, functional, and spatial information, amino acid conservation, physicochemical variation, residue mobility, and thermodynamic stability) performed at Invitae indicates that this missense variant is expected to disrupt SOS1 protein function with a positive predictive value of 95%. In summary, the available evidence is currently insufficient to determine the role of this variant in disease. Therefore, it has been classified as a Variant of Uncertain Significance.

NM_005633.4(SOS1):c.1844A>G (p.Tyr615Cys)

Gene: SOS1 (SOS Ras/Rac guanine nucleotide exchange factor 1; minus strand). Cytogenetic location: 2p22.1.
Variant type: single nucleotide variant.
Coding change: c.1844A>G on transcript NM_005633.4 (MANE Select); coding-DNA position 1844, A replaced by G.
Protein change: p.Tyr615Cys; replaces tyrosine 615 with cysteine.
Molecular consequence: missense variant.
Genome position (GRCh38, 1-based): chr2:39,022,584, T>C on the plus strand (A>G on the coding strand, the complement: SOS1 is on the minus strand). VCF-style: chr2-39022584-T-C. GRCh37 (hg19) VCF-style: chr2-39249725-T-C.
Other names: c.1823A>G, p.Tyr608Cys (NM_001382394.1); c.1844A>G, p.Tyr615Cys (NM_001382395.1); short protein forms Y608C, Y615C.
Identifiers: ClinVar variation 3640616 (VCV003640616.2).